The following is an entry in ClinVar:

NM_000038.6(APC):c.5410G>C (p.Val1804Leu)

Gene: APC (APC regulator of Wnt signaling pathway; plus strand). Cytogenetic location: 5q22.2.
Variant type: single nucleotide variant.
Coding change: c.5410G>C on transcript NM_000038.6 (MANE Select); coding-DNA position 5410, G replaced by C.
Protein change: p.Val1804Leu; replaces valine 1804 with leucine.
Molecular consequence: missense variant. On other transcripts: non-coding transcript variant (2).
Genome position (GRCh38, 1-based): chr5:112,841,004, G>C. VCF-style: chr5-112841004-G-C. GRCh37 (hg19) VCF-style: chr5-112176701-G-C.
Other names: c.5410G>C, p.Val1804Leu (NM_001127510.3, NM_001354895.2, NM_001407450.1); c.5356G>C, p.Val1786Leu (NM_001127511.3); c.5464G>C, p.Val1822Leu (NM_001354896.2, NM_001407447.1, NM_001407448.1 and 1 more transcripts); c.5440G>C, p.Val1814Leu (NM_001354897.2); c.5335G>C, p.Val1779Leu (NM_001354898.2); c.5326G>C, p.Val1776Leu (NM_001354899.2); c.5287G>C, p.Val1763Leu (NM_001354900.2); c.5233G>C, p.Val1745Leu (NM_001354901.2, NM_001407453.1); and 12 more; short protein forms V1713L, V1763L, V1776L, V1786L, V1794L, V1521L, V1675L, V1797L.
Identifiers: ClinVar variation 2919560 (VCV002919560.4), dbSNP rs2149939425, ClinGen allele CA16033157.

ClinVar aggregate classification (germline): Uncertain significance. Review status: criteria provided, multiple submitters, no conflicts (2 of 4 stars). 2 submissions from 2 submitters: Uncertain significance (2). Last evaluated 2026-07-02.

Conditions:
Familial adenomatous polyposis 1 (FAP1). Also called: POLYPOSIS, ADENOMATOUS INTESTINAL; FAMILIAL ADENOMATOUS POLYPOSIS 1, ATTENUATED. Identifiers: MedGen C2713442, MONDO:0021056, OMIM 175100. Disease mechanism: loss of function.
Hereditary cancer-predisposing syndrome. Also called: Hereditary Cancer Syndrome; Hereditary neoplastic syndrome; Neoplastic Syndromes, Hereditary; Tumor predisposition. Identifiers: Orphanet 140162, MedGen C0027672, MeSH D009386, MONDO:0015356.

Submissions (2):

Ambry Genetics
Classification: Uncertain significance for Hereditary cancer-predisposing syndrome. Last evaluated: 2026-07-02. Review status: criteria provided, single submitter. Criteria: Ambry Variant Classification Scheme 2023. Collection method: clinical testing. Allele origin: germline.
Comment: The p.V1804L variant (also known as c.5410G>C), located in coding exon 15 of the APC gene, results from a G to C substitution at nucleotide position 5410. The valine at codon 1804 is replaced by leucine, an amino acid with highly similar properties. This amino acid position is conserved. In addition, in silico predictors for this gene do not accurately predict pathogenicity. Based on the available evidence, the clinical significance of this variant remains unclear.

Labcorp Genetics (formerly Invitae), Labcorp
Classification: Uncertain significance for Familial adenomatous polyposis 1. Last evaluated: 2023-06-19. Review status: criteria provided, single submitter. Criteria: Invitae Variant Classification Sherloc (09022015). Collection method: clinical testing. Allele origin: germline.
Comment: This sequence change replaces valine, which is neutral and non-polar, with leucine, which is neutral and non-polar, at codon 1804 of the APC protein (p.Val1804Leu). This variant is not present in population databases (gnomAD no frequency). This missense change has been observed in individual(s) with clinical features of APC-related conditions (PMID: 10612827). Advanced modeling of protein sequence and biophysical properties (such as structural, functional, and spatial information, amino acid conservation, physicochemical variation, residue mobility, and thermodynamic stability) performed at Invitae indicates that this missense variant is not expected to disrupt APC protein function. In summary, the available evidence is currently insufficient to determine the role of this variant in disease. Therefore, it has been classified as a Variant of Uncertain Significance.

Literature cited by the submitters: PubMed 10612827 (cited by Labcorp Genetics (formerly Invitae), Labcorp).